The following is an entry in ClinVar:

NM_004364.5(CEBPA):c.370G>C (p.Ala124Pro)

Gene: CEBPA (CCAAT enhancer binding protein alpha; minus strand). Cytogenetic location: 19q13.11.
Variant type: single nucleotide variant.
Coding change: c.370G>C on transcript NM_004364.5 (MANE Select); coding-DNA position 370, G replaced by C.
Protein change: p.Ala124Pro; replaces alanine 124 with proline.
Molecular consequence: missense variant.
Genome position (GRCh38, 1-based): chr19:33,302,045, C>G on the plus strand (G>C on the coding strand, the complement: CEBPA is on the minus strand). VCF-style: chr19-33302045-C-G. GRCh37 (hg19) VCF-style: chr19-33792951-C-G.
Other names: c.13G>C, p.Ala5Pro (NM_001285829.2); c.475G>C, p.Ala159Pro (NM_001287424.2); c.328G>C, p.Ala110Pro (NM_001287435.2); short protein forms A159P, A110P, A5P, A124P.
Identifiers: ClinVar variation 5034278 (VCV005034278.1).

ClinVar aggregate classification (germline): Uncertain significance (1 of 4 stars; one submission).

Conditions:
Inborn genetic diseases. Identifiers: MedGen C0950123, MeSH D030342.

Submission:

Ambry Genetics
Classification: Uncertain significance for Inborn genetic diseases. Last evaluated: 2026-07-06. Review status: criteria provided, single submitter. Criteria: Ambry Variant Classification Scheme 2023. Collection method: clinical testing. Allele origin: germline.
Comment: The p.A124P variant (also known as c.370G>C), located in coding exon 1 of the CEBPA gene, results from a G to C substitution at nucleotide position 370. The alanine at codon 124 is replaced by proline, an amino acid with highly similar properties. This amino acid position is conserved. In addition, this alteration is predicted to be tolerated by in silico analysis. Based on the available evidence, the clinical significance of this variant remains unclear.